The following is an entry in ClinVar:

ClinVar aggregate classification (germline): Uncertain significance (1 of 4 stars; one submission).

Submission:

Labcorp Genetics (formerly Invitae), Labcorp
Classification: Uncertain significance. Last evaluated: 2024-12-04. Review status: criteria provided, single submitter. Criteria: Invitae Variant Classification Sherloc (09022015). Collection method: clinical testing. Allele origin: germline.
Comment: This sequence change replaces aspartic acid, which is acidic and polar, with glutamic acid, which is acidic and polar, at codon 537 of the PROM1 protein (p.Asp537Glu). This variant is not present in population databases (gnomAD no frequency). This variant has not been reported in the literature in individuals affected with PROM1-related conditions. ClinVar contains an entry for this variant (Variation ID: 1010911). Invitae Evidence Modeling of protein sequence and biophysical properties (such as structural, functional, and spatial information, amino acid conservation, physicochemical variation, residue mobility, and thermodynamic stability) indicates that this missense variant is not expected to disrupt PROM1 protein function with a negative predictive value of 80%. In summary, the available evidence is currently insufficient to determine the role of this variant in disease. Therefore, it has been classified as a Variant of Uncertain Significance.

NM_006017.3(PROM1):c.1611C>G (p.Asp537Glu)

Gene: PROM1 (prominin 1; minus strand). Cytogenetic location: 4p15.32.
Variant type: single nucleotide variant.
Coding change: c.1611C>G on transcript NM_006017.3 (MANE Select); coding-DNA position 1611, C replaced by G.
Protein change: p.Asp537Glu; replaces aspartic acid 537 with glutamic acid.
Molecular consequence: missense variant.
Genome position (GRCh38, 1-based): chr4:15,998,456, G>C on the plus strand (C>G on the coding strand, the complement: PROM1 is on the minus strand). VCF-style: chr4-15998456-G-C. GRCh37 (hg19) VCF-style: chr4-16000079-G-C.
Other names: c.1584C>G, p.Asp528Glu (NM_001145847.2, NM_001145848.2, NM_001145851.2 and 4 more transcripts); c.1611C>G, p.Asp537Glu (NM_001145849.2, NM_001145850.2); short protein forms D528E, D537E.
Identifiers: ClinVar variation 1010911 (VCV001010911.10), dbSNP rs1722864414, ClinGen allele CA356431956.
Genomic context (GRCh38, chr4:15,998,456, plus strand): 5'-TTCAAAAGTGAGCTTCATTTTTGATTTATTAAATAGCTTCCCAGAGAGATAGTATTCCCA[G>C]TCTTCATTTAGTAAGTAGGGTGTATCCAAAACCTAGAACACATTAGGAAGTATTTTCGAA-3'
Protein context (NP_006008.1, residues 527-547): VLDTPYLLNE[Asp537Glu]WEYYLSGKLF